The following is an entry in ClinVar:

NM_000059.4(BRCA2):c.9330dup (p.Glu3111Ter)

Gene: BRCA2 (BRCA2 DNA repair associated; plus strand). Cytogenetic location: 13q13.1.
Variant type: Duplication.
Coding change: c.9330dup on transcript NM_000059.4 (MANE Select); coding-DNA position 9330, one base duplicated (T; older notation c.9330dupT).
Protein change: p.Glu3111Ter; replaces glutamic acid 3111 with a stop codon.
Molecular consequence: nonsense.
Genome position (GRCh38, 1-based): chr13:32,394,762, T duplicated. VCF-style (leftmost placement, unchanged base first): chr13-32394761-A-AT. GRCh37 (hg19) VCF-style: chr13-32968898-A-AT.
Other names: c.9330dupT (NM_000059.3); short protein forms E3111*.
Identifiers: ClinVar variation 481192 (VCV000481192.8), dbSNP rs1555289529, ClinGen allele CA658656359.

ClinVar aggregate classification (germline): Pathogenic (1 of 4 stars; one submission).

Conditions:
Hereditary cancer-predisposing syndrome. Also called: Hereditary Cancer Syndrome; Neoplastic Syndromes, Hereditary; Tumor predisposition; Hereditary neoplastic syndrome. Identifiers: Orphanet 140162, MedGen C0027672, MeSH D009386, MONDO:0015356.

Submission:

Ambry Genetics
Classification: Pathogenic for Hereditary cancer-predisposing syndrome. Last evaluated: 2025-07-06. Review status: criteria provided, single submitter. Criteria: Ambry Variant Classification Scheme 2023. Collection method: clinical testing. Allele origin: germline.
Comment: The c.9330dupT pathogenic mutation, located in coding exon 24 of the BRCA2 gene, results from a duplication of T at nucleotide position 9330, causing a translational frameshift with a predicted alternate stop codon (p.E3111*). This variant is considered to be rare based on population cohorts in the Genome Aggregation Database (gnomAD). This alteration is expected to result in loss of function by premature protein truncation or nonsense-mediated mRNA decay. As such, this alteration is interpreted as a disease-causing mutation.